The following is an entry in ClinVar:

NM_000875.5(IGF1R):c.3364G>A (p.Gly1122Ser)

Gene: IGF1R (insulin like growth factor 1 receptor; plus strand). Cytogenetic location: 15q26.3.
Variant type: single nucleotide variant.
Coding change: c.3364G>A on transcript NM_000875.5 (MANE Select); coding-DNA position 3364, G replaced by A.
Protein change: p.Gly1122Ser; replaces glycine 1122 with serine.
Molecular consequence: missense variant.
Genome position (GRCh38, 1-based): chr15:98,939,267, G>A. VCF-style: chr15-98939267-G-A. GRCh37 (hg19) VCF-style: chr15-99482496-G-A.
Other names: c.3361G>A, p.Gly1121Ser (NM_001291858.2); short protein forms G1121S, G1122S.
Identifiers: ClinVar variation 976420 (VCV000976420.2), dbSNP rs753856067, ClinGen allele CA7752663.

ClinVar aggregate classification (germline): Uncertain significance. Review status: criteria provided, multiple submitters, no conflicts (2 of 4 stars). 2 submissions from 2 submitters: Uncertain significance (2). Last evaluated 2018-02-28.

Conditions:
Growth delay due to insulin-like growth factor I resistance. Also called: Somatomedin end-organ insensitivity to; Somatomedin-c resistance to; IGF-1 resistance; Insulin-Like Growth Factor I Resistance; IGF-I RESISTANCE. Identifiers: Orphanet 73273, MedGen C1849157, MONDO:0010038, OMIM 270450.

Allele frequency attached by ClinVar (database versions not stated): gnomAD exomes below 0.00001; ExAC 0.00001; gnomAD 0.00001.

Submissions (2):

Institute of Human Genetics, University of Leipzig Medical Center
Classification: Uncertain significance for Growth delay due to insulin-like growth factor I resistance. Last evaluated: 2018-02-28. Review status: criteria provided, single submitter. Criteria: ACMG Guidelines, 2015. Collection method: clinical testing. Allele origin: germline. Affected: yes. Observed: 1 variant allele.

Dr. med. U. Finckh, Human Genetics, Eurofins MVZ
Classification: Uncertain significance for Growth delay due to insulin-like growth factor I resistance. Review status: criteria provided, single submitter. Criteria: ACMG Guidelines, 2015. Collection method: clinical testing. Allele origin: paternal. Affected: yes.